The following is an entry in ClinVar:

NM_177438.3(DICER1):c.3037C>G (p.Pro1013Ala)

Gene: DICER1 (dicer 1, ribonuclease III; minus strand). Cytogenetic location: 14q32.13.
Variant type: single nucleotide variant.
Coding change: c.3037C>G on transcript NM_177438.3 (MANE Select); coding-DNA position 3037, C replaced by G.
Protein change: p.Pro1013Ala; replaces proline 1013 with alanine.
Molecular consequence: missense variant. On other transcripts: non-coding transcript variant (6).
Genome position (GRCh38, 1-based): chr14:95,105,734, G>C on the plus strand (C>G on the coding strand, the complement: DICER1 is on the minus strand). VCF-style: chr14-95105734-G-C. GRCh37 (hg19) VCF-style: chr14-95572071-G-C.
Other names: c.2632C>G, p.Pro878Ala (NM_001395689.1, NM_001395690.1, NM_001395696.1 and 2 more transcripts); c.2470C>G, p.Pro824Ala (NM_001395691.1); c.3037C>G, p.Pro1013Ala (NM_001395692.1, NM_001395693.1, NM_001395694.1 and 13 more transcripts); c.1354C>G, p.Pro452Ala (NM_001395697.1); c.2755C>G, p.Pro919Ala (NM_001395686.1); short protein forms P878A, P919A, P824A, P1013A, P452A.
Identifiers: ClinVar variation 1799098 (VCV001799098.5), dbSNP rs1891359216, ClinGen allele CA390878304.

ClinVar aggregate classification (germline): Uncertain significance. Review status: criteria provided, multiple submitters, no conflicts (2 of 4 stars). 2 submissions from 2 submitters: Uncertain significance (2). Last evaluated 2023-07-24.

Conditions:
Hereditary cancer-predisposing syndrome. Also called: Neoplastic Syndromes, Hereditary; Tumor predisposition; Hereditary neoplastic syndrome; Hereditary Cancer Syndrome. Identifiers: Orphanet 140162, MedGen C0027672, MeSH D009386, MONDO:0015356.
DICER1-related tumor predisposition. Also called: DICER1-related pleuropulmonary blastoma cancer predisposition syndrome; DICER1 syndrome. Identifiers: Orphanet 284343, MedGen C3839822, MONDO:0100216.

Submissions (2):

Labcorp Genetics (formerly Invitae), Labcorp
Classification: Uncertain significance for DICER1-related tumor predisposition. Last evaluated: 2023-07-24. Review status: criteria provided, single submitter. Criteria: Invitae Variant Classification Sherloc (09022015). Collection method: clinical testing. Allele origin: germline.
Comment: In summary, the available evidence is currently insufficient to determine the role of this variant in disease. Therefore, it has been classified as a Variant of Uncertain Significance. Advanced modeling of protein sequence and biophysical properties (such as structural, functional, and spatial information, amino acid conservation, physicochemical variation, residue mobility, and thermodynamic stability) performed at Invitae indicates that this missense variant is not expected to disrupt DICER1 protein function. ClinVar contains an entry for this variant (Variation ID: 1799098). This variant has not been reported in the literature in individuals affected with DICER1-related conditions. This variant is not present in population databases (gnomAD no frequency). This sequence change replaces proline, which is neutral and non-polar, with alanine, which is neutral and non-polar, at codon 1013 of the DICER1 protein (p.Pro1013Ala).

Ambry Genetics
Classification: Uncertain significance for Hereditary cancer-predisposing syndrome. Last evaluated: 2021-02-11. Review status: criteria provided, single submitter. Criteria: Ambry Variant Classification Scheme 2023. Collection method: clinical testing. Allele origin: germline.
Comment: The p.P1013A variant (also known as c.3037C>G), located in coding exon 18 of the DICER1 gene, results from a C to G substitution at nucleotide position 3037. The proline at codon 1013 is replaced by alanine, an amino acid with highly similar properties. This amino acid position is highly conserved in available vertebrate species. In addition, the in silico prediction for this alteration is inconclusive. Since supporting evidence is limited at this time, the clinical significance of this alteration remains unclear.